The following is an entry in ClinVar:

ClinVar aggregate classification (germline): Benign/Likely benign. Review status: criteria provided, multiple submitters, no conflicts (2 of 4 stars). 3 submissions from 3 submitters: Benign (1); Likely benign (2). Last evaluated 2026-08-17.

Conditions:
Hereditary cancer-predisposing syndrome. Also called: Tumor predisposition; Neoplastic Syndromes, Hereditary; Hereditary Cancer Syndrome; Hereditary neoplastic syndrome. Identifiers: Orphanet 140162, MedGen C0027672, MeSH D009386, MONDO:0015356.
DICER1-related tumor predisposition. Also called: DICER1 syndrome; DICER1-related pleuropulmonary blastoma cancer predisposition syndrome. Identifiers: Orphanet 284343, MedGen C3839822, MONDO:0100216.

Allele frequency attached by ClinVar (database versions not stated): ExAC 0.00001; gnomAD exomes below 0.00001; gnomAD 0.00001 and 0.00002; TOPMed 0.00001.
gnomAD v4.1: 3 of 1,613,792 alleles (0.00019%); highest among the groups gnomAD compares: African/African-American, 0.004%; no homozygotes.

Submissions (3):

Myriad Genetics, Inc.
Classification: Benign for DICER1-related tumor predisposition. Last evaluated: 2026-08-17. Review status: criteria provided, single submitter. Criteria: Myriad Autosomal Dominant, Autosomal Recessive and X-Linked Classification Criteria (2023). Collection method: clinical testing. Allele origin: unknown.
Comment: This variant is considered benign. This variant is a silent/synonymous amino acid change and it is not expected to impact splicing.

Labcorp Genetics (formerly Invitae), Labcorp
Classification: Likely benign for DICER1-related tumor predisposition. Last evaluated: 2025-05-19. Review status: criteria provided, single submitter. Criteria: Invitae Variant Classification Sherloc (09022015). Collection method: clinical testing. Allele origin: germline.

Ambry Genetics
Classification: Likely benign for Hereditary cancer-predisposing syndrome. Last evaluated: 2020-05-28. Review status: criteria provided, single submitter. Criteria: Ambry Variant Classification Scheme 2023. Collection method: clinical testing. Allele origin: germline.

NM_177438.3(DICER1):c.3303T>C (p.Ser1101=)

Gene: DICER1 (dicer 1, ribonuclease III; minus strand). Cytogenetic location: 14q32.13.
Variant type: single nucleotide variant.
Coding change: c.3303T>C on transcript NM_177438.3 (MANE Select); coding-DNA position 3303, T replaced by C.
Protein change: p.Ser1101=; no amino-acid change (serine 1101 retained).
Molecular consequence: synonymous variant.
Genome position (GRCh38, 1-based): chr14:95,104,093, A>G on the plus strand (T>C on the coding strand, the complement: DICER1 is on the minus strand). VCF-style: chr14-95104093-A-G. GRCh37 (hg19) VCF-style: chr14-95570430-A-G.
Other names: c.3303T>C, p.Ser1101= (NM_001195573.1, NM_001271282.3, NM_001291628.2 and 1 more transcripts).
Identifiers: ClinVar variation 543692 (VCV000543692.13), dbSNP rs755766860, ClinGen allele CA7331060.